The following is an entry in ClinVar:

NM_022041.4(GAN):c.471G>A (p.Leu157=)

Gene: GAN (gigaxonin; plus strand). Cytogenetic location: 16q23.2.
Variant type: single nucleotide variant.
Coding change: c.471G>A on transcript NM_022041.4 (MANE Select); coding-DNA position 471, G replaced by A.
Protein change: p.Leu157=; no amino-acid change (leucine 157 retained).
Molecular consequence: synonymous variant. On other transcripts: 5 prime UTR variant (1).
Genome position (GRCh38, 1-based): chr16:81,354,593, G>A. VCF-style: chr16-81354593-G-A. GRCh37 (hg19) VCF-style: chr16-81388198-G-A.
Other names: p.Leu157=; c.-169G>A (NM_001377486.1).
Identifiers: ClinVar variation 887050 (VCV000887050.12), dbSNP rs143704621, ClinGen allele CA8191373.

ClinVar aggregate classification (germline): Conflicting classifications of pathogenicity. Review status: criteria provided, conflicting classifications (1 of 4 stars). 3 submissions from 3 submitters: Uncertain significance (1); Likely benign (2). Last evaluated 2025-10-20.

Conditions:
Giant axonal neuropathy 1 (GAN1). Also called: GAN-Related Neurodegeneration; GIANT AXONAL NEUROPATHY 1, AUTOSOMAL RECESSIVE. Identifiers: Orphanet 643, MedGen C1850386, MONDO:0009749, OMIM 256850.

Allele frequency attached by ClinVar (database versions not stated): gnomAD 0.00001; gnomAD exomes 0.00001 and 0.00004; TOPMed 0.00001; ExAC 0.00002; ESP Exome Variant Server 0.00008.
gnomAD v4.1: 56 of 1,613,958 alleles (0.0035%); highest among the groups gnomAD compares: Non-Finnish European, 0.0045%; no homozygotes.

Submissions (3):

Labcorp Genetics (formerly Invitae), Labcorp
Classification: Likely benign for Giant axonal neuropathy 1. Last evaluated: 2025-10-20. Review status: criteria provided, single submitter. Criteria: Invitae Variant Classification Sherloc (09022015). Collection method: clinical testing. Allele origin: germline.

Mayo Clinic Laboratories, Mayo Clinic
Classification: Likely benign. Last evaluated: 2025-01-28. Review status: criteria provided, single submitter. Criteria: ACMG Guidelines, 2015. Collection method: clinical testing. Allele origin: germline. Observed: 1 variant allele.
Comment: BP4, BP7

Illumina Laboratory Services, Illumina
Classification: Uncertain significance for Giant axonal neuropathy 1. Last evaluated: 2018-01-12. Review status: criteria provided, single submitter. Criteria: ICSL Variant Classification Criteria 13 December 2019. Collection method: clinical testing. Allele origin: germline.